The following is an entry in ClinVar:

ClinVar aggregate classification (germline): Uncertain significance (1 of 4 stars; one submission).

Conditions:
Hereditary cancer-predisposing syndrome. Also called: Tumor predisposition; Neoplastic Syndromes, Hereditary; Hereditary Cancer Syndrome; Hereditary neoplastic syndrome. Identifiers: Orphanet 140162, MedGen C0027672, MeSH D009386, MONDO:0015356.

Submission:

Ambry Genetics
Classification: Uncertain significance for Hereditary cancer-predisposing syndrome. Last evaluated: 2024-07-29. Review status: criteria provided, single submitter. Criteria: Ambry Variant Classification Scheme 2023. Collection method: clinical testing. Allele origin: germline.
Comment: The p.E340A variant (also known as c.1019A>C), located in coding exon 9 of the BRCA2 gene, results from an A to C substitution at nucleotide position 1019. The glutamic acid at codon 340 is replaced by alanine, an amino acid with dissimilar properties. This amino acid position is conserved. In addition, this alteration is predicted to be tolerated by in silico analysis. Based on the available evidence, the clinical significance of this variant remains unclear.

NM_000059.4(BRCA2):c.1019A>C (p.Glu340Ala)

Gene: BRCA2 (BRCA2 DNA repair associated; plus strand). Cytogenetic location: 13q13.1.
Variant type: single nucleotide variant.
Coding change: c.1019A>C on transcript NM_000059.4 (MANE Select); coding-DNA position 1019, A replaced by C.
Protein change: p.Glu340Ala; replaces glutamic acid 340 with alanine.
Molecular consequence: missense variant. On other transcripts: non-coding transcript variant (1), intron variant (1).
Genome position (GRCh38, 1-based): chr13:32,332,497, A>C. VCF-style: chr13-32332497-A-C. GRCh37 (hg19) VCF-style: chr13-32906634-A-C.
Other names: c.1019A>C, p.Glu340Ala (NM_001406719.1, NM_001406720.1, NM_001406721.1 and 1 more transcripts); c.424+1467A>C (NM_001406722.1); short protein forms E340A.
Identifiers: ClinVar variation 3482045 (VCV003482045.1).